The following is an entry in ClinVar:

ClinVar aggregate classification (germline): Uncertain significance. Review status: criteria provided, multiple submitters, no conflicts (2 of 4 stars). 4 submissions from 4 submitters: Uncertain significance (4). Last evaluated 2023-09-01.

Conditions:
Inborn genetic diseases. Identifiers: MedGen C0950123, MeSH D030342.
3M syndrome 2. Also called: 3-M Syndrome, OBSL1-Related; THREE M SYNDROME 2. Identifiers: Orphanet 2616, MedGen C2752041, MONDO:0013039, OMIM 612921.

Allele frequency attached by ClinVar (database versions not stated): gnomAD 0.00001 and 0.00002; TOPMed 0.00004; 1000 Genomes Project 30x 0.00016; gnomAD exomes 0.00019; 1000 Genomes Project 0.00020; ExAC 0.00073.
gnomAD v4.1: 122 of 1,552,088 alleles (0.0079%); highest among the groups gnomAD compares: South Asian, 0.12%; no homozygotes.

Submissions (4):

CeGaT Center for Human Genetics Tuebingen
Classification: Uncertain significance. Last evaluated: 2023-09-01. Review status: criteria provided, single submitter. Criteria: CeGaT Center For Human Genetics Tuebingen Variant Classification Criteria Version 2. Collection method: clinical testing. Allele origin: germline. Affected: yes. Observed: 1 variant allele.
Comment: OBSL1: PM2

Ambry Genetics
Classification: Uncertain significance for Inborn genetic diseases. Last evaluated: 2023-05-09. Review status: criteria provided, single submitter. Criteria: Ambry Variant Classification Scheme 2023. Collection method: clinical testing. Allele origin: germline.

Labcorp Genetics (formerly Invitae), Labcorp
Classification: Uncertain significance. Last evaluated: 2022-10-10. Review status: criteria provided, single submitter. Criteria: Invitae Variant Classification Sherloc (09022015). Collection method: clinical testing. Allele origin: germline.
Comment: This sequence change replaces glycine, which is neutral and non-polar, with arginine, which is basic and polar, at codon 1285 of the OBSL1 protein (p.Gly1285Arg). This variant is present in population databases (rs570704076, gnomAD 0.1%). This variant has not been reported in the literature in individuals affected with OBSL1-related conditions. ClinVar contains an entry for this variant (Variation ID: 897647). Algorithms developed to predict the effect of missense changes on protein structure and function output the following: SIFT: "Tolerated"; PolyPhen-2: "Benign"; Align-GVGD: "Class C0". The arginine amino acid residue is found in multiple mammalian species, which suggests that this missense change does not adversely affect protein function. In summary, the available evidence is currently insufficient to determine the role of this variant in disease. Therefore, it has been classified as a Variant of Uncertain Significance.

Illumina Laboratory Services, Illumina
Classification: Uncertain significance for 3M syndrome 2. Last evaluated: 2018-01-13. Review status: criteria provided, single submitter. Criteria: ICSL Variant Classification Criteria 13 December 2019. Collection method: clinical testing. Allele origin: germline.

NM_015311.3(OBSL1):c.3853G>A (p.Gly1285Arg)

Gene: OBSL1 (obscurin like cytoskeletal adaptor 1; minus strand). Cytogenetic location: 2q35.
Variant type: single nucleotide variant.
Coding change: c.3853G>A on transcript NM_015311.3 (MANE Select); coding-DNA position 3853, G replaced by A.
Protein change: p.Gly1285Arg; replaces glycine 1285 with arginine.
Molecular consequence: missense variant.
Genome position (GRCh38, 1-based): chr2:219,557,556, C>T on the plus strand (G>A on the coding strand, the complement: OBSL1 is on the minus strand). VCF-style: chr2-219557556-C-T. GRCh37 (hg19) VCF-style: chr2-220422278-C-T.
Other names: c.3853G>A, p.Gly1285Arg (NM_001173431.2); short protein forms G1285R.
Identifiers: ClinVar variation 897647 (VCV000897647.35), dbSNP rs570704076, ClinGen allele CA2130728.